The following is an entry in ClinVar:

NM_004431.5(EPHA2):c.2731G>A (p.Glu911Lys)

Gene: EPHA2 (EPH receptor A2; minus strand). Cytogenetic location: 1p36.13.
Variant type: single nucleotide variant.
Coding change: c.2731G>A on transcript NM_004431.5 (MANE Select); coding-DNA position 2731, G replaced by A.
Protein change: p.Glu911Lys; replaces glutamic acid 911 with lysine.
Molecular consequence: missense variant.
Genome position (GRCh38, 1-based): chr1:16,129,528, C>T on the plus strand (G>A on the coding strand, the complement: EPHA2 is on the minus strand). VCF-style: chr1-16129528-C-T. GRCh37 (hg19) VCF-style: chr1-16456023-C-T.
Other names: c.2731G>A (NM_004431.4); c.2569G>A, p.Glu857Lys (NM_001329090.2); short protein forms E857K, E911K.
Identifiers: ClinVar variation 1329522 (VCV001329522.3), dbSNP rs376030072, ClinGen allele CA18325626.

ClinVar aggregate classification (germline): Uncertain significance. Review status: criteria provided, multiple submitters, no conflicts (2 of 4 stars). 2 submissions from 2 submitters: Uncertain significance (2). Last evaluated 2026-05-21.

Conditions:
EPHA2-related disorder. Also called: EPHA2-related condition.

Allele frequency attached by ClinVar (database versions not stated): gnomAD 0.00001; gnomAD exomes 0.00002; TOPMed 0.00002; ESP Exome Variant Server 0.00008.
gnomAD v4.1: 13 of 1,613,478 alleles (0.00081%); highest among the groups gnomAD compares: African/African-American, 0.004%; 1 homozygote.

Submissions (2):

PreventionGenetics, part of Exact Sciences
Classification: Uncertain significance for EPHA2-related condition. Last evaluated: 2026-05-21. Review status: criteria provided, single submitter. Criteria: ACMG Guidelines, 2015. Collection method: clinical testing. Allele origin: germline.
Comment: The EPHA2 c.2731G>A variant is predicted to result in the amino acid substitution p.Glu911Lys. To our knowledge, this variant has not been reported in the literature. This variant is present in 0.0065% of alleles in individuals of South Asian descent in gnomAD. At this time, the clinical significance of this variant is uncertain due to the absence of conclusive functional and genetic evidence.

GeneDx
Classification: Uncertain significance. Last evaluated: 2021-06-23. Review status: criteria provided, single submitter. Criteria: GeneDx Variant Classification Process June 2021. Collection method: clinical testing. Allele origin: germline. Affected: yes.
Comment: In silico analysis supports that this missense variant has a deleterious effect on protein structure/function; Has not been previously published as pathogenic or benign to our knowledge; This variant is associated with the following publications: (PMID: 27535533)